The following is an entry in ClinVar:

ClinVar aggregate classification (germline): Likely benign. Review status: criteria provided, multiple submitters, no conflicts (2 of 4 stars). 6 submissions from 6 submitters: Likely benign (6). Last evaluated 2026-09-21.

Conditions:
Catecholaminergic polymorphic ventricular tachycardia (CVPT). Also called: Catecholamine-induced polymorphic ventricular tachycardia. Identifiers: Orphanet 3286, MedGen C5574922, MONDO:0017990.
Cardiomyopathy (CMYO). Also called: Cardiomyopathies. Identifiers: Orphanet 167848, MedGen C0878544, MONDO:0004994, HP:0001638. Inheritance: Various modes of inheritance.
Catecholaminergic polymorphic ventricular tachycardia 1. Also called: RYR2-Related Catecholaminergic Polymorphic Ventricular Tachycardia; VENTRICULAR TACHYCARDIA, STRESS-INDUCED POLYMORPHIC 1; VENTRICULAR TACHYCARDIA, CATECHOLAMINERGIC POLYMORPHIC, 1, WITH OR WITHOUT ATRIAL DYSFUNCTION AND/OR DILATED CARDIOMYOPATHY. Identifiers: Orphanet 3286, MedGen C1631597, MONDO:0011484, OMIM 604772.
Cardiovascular phenotype. Identifiers: MedGen CN230736.

Allele frequency attached by ClinVar (database versions not stated): gnomAD exomes 0.00001; ExAC 0.00002; TOPMed 0.00002.
gnomAD v4.1: 13 of 1,610,020 alleles (0.00081%); highest among the groups gnomAD compares: Admixed American, 0.005%; no homozygotes.

Submissions (6):

Molecular Diagnostic Laboratory for Inherited Cardiovascular Disease, Montreal Heart Institute
Classification: Likely benign. Last evaluated: 2026-09-21. Review status: criteria provided, single submitter. Criteria: ACMG Guidelines, 2015. Collection method: clinical testing. Allele origin: germline. Affected: no.
Comment: BP7

CeGaT Center for Human Genetics Tuebingen
Classification: Likely benign. Last evaluated: 2026-06-01. Review status: criteria provided, single submitter. Criteria: CeGaT Center For Human Genetics Tuebingen Variant Classification Criteria Version 2. Collection method: clinical testing. Allele origin: germline. Affected: yes. Observed: 2 variant alleles.
Comment: RYR2: BP4, BP7

Labcorp Genetics (formerly Invitae), Labcorp
Classification: Likely benign for Catecholaminergic polymorphic ventricular tachycardia 1. Last evaluated: 2025-11-28. Review status: criteria provided, single submitter. Criteria: Invitae Variant Classification Sherloc (09022015). Collection method: clinical testing. Allele origin: germline.

All of Us Research Program, National Institutes of Health
Classification: Likely benign for Catecholaminergic polymorphic ventricular tachycardia. Last evaluated: 2023-06-08. Review status: criteria provided, single submitter. Criteria: ACMG Guidelines, 2015. Collection method: clinical testing. Allele origin: germline. Inheritance: Autosomal dominant inheritance. Observed: 2 variant alleles, 2 heterozygotes.
Comment: This study involves interpretation of variants in research participants for the purpose of population health screening. Participant phenotype was not available at the time of variant classification. Additional details can be found in publication PMID: 35346344, PMCID: PMC8962531

Ambry Genetics
Classification: Likely benign for Cardiovascular phenotype. Last evaluated: 2020-06-08. Review status: criteria provided, single submitter. Criteria: Ambry Variant Classification Scheme 2023. Collection method: clinical testing. Allele origin: germline.

Color Diagnostics, LLC DBA Color Health
Classification: Likely benign for Cardiomyopathy. Last evaluated: 2018-11-30. Review status: criteria provided, single submitter. Criteria: ACMG Guidelines, 2015. Collection method: clinical testing. Allele origin: germline.

NM_001035.3(RYR2):c.468G>A (p.Glu156=)

Gene: RYR2 (ryanodine receptor 2; plus strand). Cytogenetic location: 1q43.
Variant type: single nucleotide variant.
Coding change: c.468G>A on transcript NM_001035.3 (MANE Select); coding-DNA position 468, G replaced by A.
Protein change: p.Glu156=; no amino-acid change (glutamic acid 156 retained).
Molecular consequence: synonymous variant.
Genome position (GRCh38, 1-based): chr1:237,377,327, G>A. VCF-style: chr1-237377327-G-A. GRCh37 (hg19) VCF-style: chr1-237540627-G-A.
Other names: c.468G>A (NM_001035.2).
Identifiers: ClinVar variation 919002 (VCV000919002.18), dbSNP rs763840882, ClinGen allele CA086709.